The following continues an entry in ClinVar:

NM_024426.6(WT1):c.1447+4C>T

Gene: WT1. ClinVar aggregate classification (germline): Pathogenic/Likely pathogenic. Pathogenic (13); Likely pathogenic (3).

Submissions 9 to 21 of 21:

Precision Medicine Center, Zhengzhou University
Classification: Likely pathogenic for Nephrotic syndrome, type 4. Last evaluated: 2023-12-01. Review status: criteria provided, single submitter. Criteria: ACMG Guidelines, 2015. Collection method: clinical testing. Allele origin: de novo. Affected: yes.
Comment: PS2,PM2_p,PP3

Blueprint Genetics
Classification: Pathogenic for WT1-related disorders. Last evaluated: 2023-05-09. Review status: criteria provided, single submitter. Criteria: ACMG Guidelines, 2015. Collection method: clinical testing. Allele origin: germline. Affected: yes. Observed: 4 variant alleles.

GeneDx
Classification: Pathogenic. Last evaluated: 2022-12-30. Review status: criteria provided, single submitter. Criteria: GeneDx Variant Classification Process June 2021. Collection method: clinical testing. Allele origin: germline. Affected: yes.
Comment: Published functional studies demonstrate a damaging effect: abnormal gene splicing (Barbaux et al., 1997); Not observed in large population cohorts (gnomAD); In silico analysis supports a deleterious effect on splicing; This variant is associated with the following publications: (PMID: 1658787, 9398852, 22908070, 24856380, 17934764, 27300205, 34392242, 32838737, 31937884, 30348286, 24161391, 19484379, 21508141, 23515051, 20442690, 22815844, 9529364, 25905393, 10792605, 10670748, 9475094, 12050205, 25818337, 26668027, 16439601, 16780544, 10094551, 9499425, 25813279, 28204945, 28921387, 28476686, 29869118, 29668062, 30655312, 32581362, 32887937, 32381729, 32604935)

Laboratorio de Genetica e Diagnostico Molecular, Hospital Israelita Albert Einstein
Classification: Likely pathogenic for Nephrotic syndrome, type 4. Last evaluated: 2021-02-23. Review status: criteria provided, single submitter. Criteria: ACMG Guidelines, 2015. Collection method: clinical testing. Allele origin: germline. Affected: yes.
Comment: ACMG classification criteria: PS3 supporting, PS4, PM2, PM6, PP1

Institute of Human Genetics Munich, TUM University Hospital
Classification: Pathogenic for Frasier syndrome. Last evaluated: 2020-03-31. Review status: criteria provided, single submitter. Criteria: Classification criteria August 2017. Collection method: clinical testing. Allele origin: germline. Inheritance: Autosomal dominant inheritance. Affected: yes. Observed: 1 heterozygote.

Laboratory for Molecular Medicine, Mass General Brigham Personalized Medicine
Classification: Pathogenic for Frasier syndrome. Last evaluated: 2018-08-09. Review status: criteria provided, single submitter. Criteria: ACMG Guidelines, 2015. Collection method: clinical testing. Allele origin: germline. Inheritance: Autosomal dominant inheritance.
Comment: The c.1432+4C>T variant in WT1 has been previously reported in >10 individuals with clinical features of Frasier syndrome, including in at 3 individuals with de novo occurrence (Barbaux 1997, Bastian 20115, Guaragna 2013, Hersmus 2012, Li 2010, Lispka 2013, Wang 2017) and segregated with disease in one affected family member. It was absent from large population studies and has been reported in ClinVar (Variation ID 3500). This variant is variant is located in the 5' splice region. Computational analyses and In vitro functional studies provide some evidence that the c.1432+4C>T variant may impact protein function (Barbaux 1997); however, these types of assays may not accurately represent biological function. In summary, this variant meets criteria to be classified as pathogenic for Frasier syndrome in an autosomal dominant manner based upon de novo occurences, presence in affected individuals, absence from controls and functional evidence. ACMG/AMP Criteria applied: PM6_Strong, PP1_strong, PM2, PS3_supporting (Richards 2015).

Juno Genomics, Hangzhou Juno Genomics, Inc
Classification: Pathogenic for Frasier syndrome. Review status: criteria provided, single submitter. Criteria: ACMG Guidelines, 2015. Collection method: clinical testing. Allele origin: germline. Affected: yes.
Comment: Absent from controls (or at extremely low frequency if recessive) in Genome Aggregation Database.;Well-established in vitro or in vivo functional studies supportive of a damaging effect on the gene or gene product.;Assumed de novo, but without confirmation of paternity and maternity.;Co-segregation with disease in multiple affected family members.;The prevalence of the variant in affected individuals is significantly increased compared to the prevalence in controls.

Neuberg Centre For Genomic Medicine, NCGM
Classification: Pathogenic for Nephrotic syndrome, type 4. Review status: criteria provided, single submitter. Criteria: ACMG Guidelines, 2015. Collection method: clinical testing. Allele origin: germline. Inheritance: Autosomal dominant inheritance. Affected: yes.
Comment: The splice site donor variant c.1447+4C>T in the WT1 gene has been observed in individuals with WT1-related disorders Gomes et al., 2018. Studies have shown that this variant results in the activation of a cryptic splice site in exon 9 Buratti et al., 2007. The variant is novel not in any individuals in gnomAD Exomes and 1000 Genomes. This splice variant in intron 9 affects the position of four nucleotides downstream of exon 9. It is submitted to ClinVar as Pathogenic multiple submissions. For these reasons, this variant has been classified as Pathogenic

Yale Center for Mendelian Genomics, Yale University
Classification: Pathogenic for Frasier syndrome. Last evaluated: 2019-01-17. Review status: no assertion criteria provided. Collection method: literature only. Allele origin: germline. Affected: yes. Observed: 1 heterozygote. Study: Yale Center for Mendelian Genomics. Not counted in ClinVar's aggregate classification.

OMIM
Classification: Pathogenic for FRASIER SYNDROME. Last evaluated: 2002-06-01. Review status: no assertion criteria provided. Collection method: literature only. Allele origin: germline. Not counted in ClinVar's aggregate classification.

OMIM
Classification: Pathogenic for NEPHROTIC SYNDROME, TYPE 4. Last evaluated: 2002-06-01. Review status: no assertion criteria provided. Collection method: literature only. Allele origin: germline. Not counted in ClinVar's aggregate classification.

GeneReviews
No classification provided. Condition: Wilms tumor 1. Review status: no classification provided. Collection method: literature only. Allele origin: germline. Not counted in ClinVar's aggregate classification.
Comment: Common pathogenic variant; typical for 46,XY 46,XY complete gonadal dysgenesis

NIHR Bioresource Rare Diseases, University of Cambridge
Classification: Likely pathogenic for Nephrotic range proteinuria. Review status: no assertion criteria provided. Collection method: research. Allele origin: unknown. Affected: yes. Observed: 1 variant allele. Not counted in ClinVar's aggregate classification.

Literature cited by the submitters: PubMed 9499425 (cited by 4 submitters); PubMed 29668062 (cited by 4 submitters); PubMed 9398852 (cited by 8 submitters); PubMed 17576681 (cited by Labcorp Genetics (formerly Invitae), Labcorp); PubMed 9536098 (cited by Labcorp Genetics (formerly Invitae), Labcorp); PubMed 12050205 (cited by 4 submitters); PubMed 30655312 (cited by 3 submitters); PubMed 32352694 (cited by Victorian Clinical Genetics Services, Murdoch Childrens Research Institute and GeneReviews); PubMed 9475094 (cited by All of Us Research Program, National Institutes of Health); PubMed 9529364 (cited by All of Us Research Program, National Institutes of Health and OMIM); PubMed 10094551 (cited by All of Us Research Program, National Institutes of Health and OMIM); PubMed 10505699 (cited by All of Us Research Program, National Institutes of Health); PubMed 10561752 (cited by All of Us Research Program, National Institutes of Health); PubMed 10670748 (cited by All of Us Research Program, National Institutes of Health); PubMed 10792605 (cited by All of Us Research Program, National Institutes of Health); PubMed 11007843 (cited by All of Us Research Program, National Institutes of Health); PubMed 20442690 (cited by All of Us Research Program, National Institutes of Health and Laboratory for Molecular Medicine, Mass General Brigham Personalized Medicine); PubMed 22908070 (cited by All of Us Research Program, National Institutes of Health); PubMed 23515051 (cited by All of Us Research Program, National Institutes of Health and Laboratory for Molecular Medicine, Mass General Brigham Personalized Medicine); PubMed 24161391 (cited by All of Us Research Program, National Institutes of Health and Laboratory for Molecular Medicine, Mass General Brigham Personalized Medicine); PubMed 25623218 (cited by All of Us Research Program, National Institutes of Health); PubMed 34622098 (cited by All of Us Research Program, National Institutes of Health); PubMed 35211794 (cited by All of Us Research Program, National Institutes of Health); PubMed 36980135 (cited by All of Us Research Program, National Institutes of Health); PubMed 23302619 (cited by Precision Medicine Center, Zhengzhou University); PubMed 25813279 (cited by Laboratory for Molecular Medicine, Mass General Brigham Personalized Medicine); PubMed 22815844 (cited by Laboratory for Molecular Medicine, Mass General Brigham Personalized Medicine); PubMed 28204945 (cited by Laboratory for Molecular Medicine, Mass General Brigham Personalized Medicine); PubMed 1658787 (cited by OMIM); PubMed 32581362 (cited by NIHR Bioresource Rare Diseases, University of Cambridge).